The following is an entry in ClinVar:

ClinVar aggregate classification (germline): Uncertain significance (1 of 4 stars; one submission).

Conditions:
Mucolipidosis type II. Also called: Mucolipidosis 2; ML 2; Inclusion cell disease; Leroy Disease; N-acetylglucosamine 1phosphotransferase deficiency; ML disorder type 2. Identifiers: Orphanet 576, MedGen C2673377, MONDO:0009650, OMIM 252500.
Pseudo-Hurler polydystrophy. Also called: ML IIIA; Mucolipidosis III Alpha/Beta; MUCOLIPIDOSIS IIIA; ML III; ML III ALPHA/BETA; Type III Mucolipidosis. Identifiers: Orphanet 423461, Orphanet 577, MedGen C0033788, MONDO:0018931, OMIM 252600.

Allele frequency attached by ClinVar (database versions not stated): gnomAD exomes below 0.00001; TOPMed below 0.00001; gnomAD 0.00001.
gnomAD v4.1: 4 of 1,613,940 alleles (0.00025%); highest among the groups gnomAD compares: East Asian, 0.0022%; no homozygotes.

Submission:

Labcorp Genetics (formerly Invitae), Labcorp
Classification: Uncertain significance for Pseudo-Hurler polydystrophy; Mucolipidosis type II. Last evaluated: 2021-04-22. Review status: criteria provided, single submitter. Criteria: Invitae Variant Classification Sherloc (09022015). Collection method: clinical testing. Allele origin: germline.
Comment: This sequence change replaces glutamic acid with lysine at codon 103 of the GNPTAB protein (p.Glu103Lys). The glutamic acid residue is highly conserved and there is a small physicochemical difference between glutamic acid and lysine. This variant is not present in population databases (ExAC no frequency). This variant has not been reported in the literature in individuals with GNPTAB-related disease. Algorithms developed to predict the effect of missense changes on protein structure and function are either unavailable or do not agree on the potential impact of this missense change (SIFT: "Deleterious"; PolyPhen-2: "Benign"; Align-GVGD: "Class C0"). In summary, the available evidence is currently insufficient to determine the role of this variant in disease. Therefore, it has been classified as a Variant of Uncertain Significance.

NM_024312.5(GNPTAB):c.307G>A (p.Glu103Lys)

Gene: GNPTAB (N-acetylglucosamine-1-phosphate transferase subunits alpha and beta; minus strand). Cytogenetic location: 12q23.2.
Variant type: single nucleotide variant.
Coding change: c.307G>A on transcript NM_024312.5 (MANE Select); coding-DNA position 307, G replaced by A.
Protein change: p.Glu103Lys; replaces glutamic acid 103 with lysine.
Molecular consequence: missense variant.
Genome position (GRCh38, 1-based): chr12:101,789,954, C>T on the plus strand (G>A on the coding strand, the complement: GNPTAB is on the minus strand). VCF-style: chr12-101789954-C-T. GRCh37 (hg19) VCF-style: chr12-102183732-C-T.
Other names: short protein forms E103K.
Identifiers: ClinVar variation 2146067 (VCV002146067.1), dbSNP rs867914619, ClinGen allele CA242476275.